The following is an entry in ClinVar:

NM_025243.4(SLC19A3):c.1370G>A (p.Ser457Asn)

Gene: SLC19A3 (solute carrier family 19 member 3; minus strand). Cytogenetic location: 2q36.3.
Variant type: single nucleotide variant.
Coding change: c.1370G>A on transcript NM_025243.4 (MANE Select); coding-DNA position 1370, G replaced by A.
Protein change: p.Ser457Asn; replaces serine 457 with asparagine.
Molecular consequence: missense variant.
Genome position (GRCh38, 1-based): chr2:227,687,518, C>T on the plus strand (G>A on the coding strand, the complement: SLC19A3 is on the minus strand). VCF-style: chr2-227687518-C-T. GRCh37 (hg19) VCF-style: chr2-228552234-C-T.
Other names: p.Ser457Asn; c.1358G>A (NM_001371414.1); short protein forms S457N.
Identifiers: ClinVar variation 464952 (VCV000464952.20), dbSNP rs138839321, ClinGen allele CA2149087.
Genomic context (GRCh38, chr2:227,687,518, plus strand): 5'-TCACTTGGAGCAGGGCTCTGTACATCCTTCTGGGATTTGGTTGAGTAGGTAATATACATG[C>T]TTCTCATTAGGAAAATTCCAGCAATTACTGCAAAATAGCTCCCATAAACTAAAAACTGGA-3'
Protein context (NP_079519.1, residues 447-467): AVIAGIFLMR[Ser457Asn]MYITYSTKSQ

ClinVar aggregate classification (germline): Conflicting classifications of pathogenicity. Review status: criteria provided, conflicting classifications (1 of 4 stars). 6 submissions from 6 submitters: Uncertain significance (4); Likely benign (2). Last evaluated 2026-02-25.

Conditions:
Inborn genetic diseases. Identifiers: MedGen C0950123, MeSH D030342.
Biotin-responsive basal ganglia disease (BTBGD). Also called: Thiamine metabolism dysfunction syndrome type 2; THIAMINE METABOLISM DYSFUNCTION SYNDROME 2 (BIOTIN- AND THIAMINE-RESPONSIVE TYPE); Thiamine Transporter-2 Deficiency; Thiamine metabolism dysfunction syndrome 2 (biotin- or thiamine-responsive encephalopathy type 2); thiamine-responsive encephalopathy. Identifiers: Orphanet 199348, Orphanet 65284, MedGen C1843807, MONDO:0011841, OMIM 607483.

Allele frequency attached by ClinVar (database versions not stated): ESP Exome Variant Server 0.00023; TOPMed 0.00025; gnomAD exomes 0.00042 and 0.00017; gnomAD 0.00022 and 0.00021; 1000 Genomes Project 30x 0.00016; 1000 Genomes Project 0.00020; ExAC 0.00021.

Submissions (6):

GeneDx
Classification: Uncertain significance. Last evaluated: 2026-02-25. Review status: criteria provided, single submitter. Criteria: GeneDx Variant Classification Process June 2021. Collection method: clinical testing. Allele origin: germline.
Comment: In silico analysis suggests that this missense variant does not alter protein structure/function; Has not been previously published as pathogenic or benign to our knowledge

Labcorp Genetics (formerly Invitae), Labcorp
Classification: Likely benign for Biotin-responsive basal ganglia disease. Last evaluated: 2026-01-28. Review status: criteria provided, single submitter. Criteria: Invitae Variant Classification Sherloc (09022015). Collection method: clinical testing. Allele origin: germline.

Athena Diagnostics
Classification: Likely benign. Last evaluated: 2025-04-14. Review status: criteria provided, single submitter. Criteria: Athena Diagnostics Criteria. Collection method: clinical testing. Allele origin: unknown.
Comment: The frequency of this variant in the general population is higher than would generally be expected for pathogenic variants in this gene. Computational tools predict this amino acid change may be benign.

Mayo Clinic Laboratories, Mayo Clinic
Classification: Uncertain significance. Last evaluated: 2023-05-15. Review status: criteria provided, single submitter. Criteria: ACMG Guidelines, 2015. Collection method: clinical testing. Allele origin: germline. Observed: 1 variant allele.

Ambry Genetics
Classification: Uncertain significance for Inborn genetic diseases. Last evaluated: 2021-05-18. Review status: criteria provided, single submitter. Criteria: Ambry Variant Classification Scheme 2023. Collection method: clinical testing. Allele origin: germline.
Comment: The c.1370G>A (p.S457N) alteration is located in exon 6 (coding exon 5) of the SLC19A3 gene. This alteration results from a G to A substitution at nucleotide position 1370, causing the serine (S) at amino acid position 457 to be replaced by an asparagine (N). The p.S457N alteration is predicted to be tolerated by in silico analysis. Based on insufficient or conflicting evidence, the clinical significance of this alteration remains unclear.

Department of Pathology and Laboratory Medicine, Sinai Health System
Classification: Uncertain significance for Biotin-responsive basal ganglia disease. Last evaluated: 2020-05-26. Review status: criteria provided, single submitter. Criteria: ACMG Guidelines, 2015. Collection method: research. Allele origin: germline.